The following is an entry in ClinVar:

ClinVar aggregate classification (germline): Uncertain significance (1 of 4 stars; one submission).

Conditions:
BBS12-related disorder. Also called: BBS12-related condition.

Submission:

PreventionGenetics, part of Exact Sciences
Classification: Uncertain significance for BBS12-related condition. Last evaluated: 2026-02-20. Review status: criteria provided, single submitter. Criteria: ACMG Guidelines, 2015. Collection method: clinical testing. Allele origin: germline.
Comment: The BBS12 c.1927C>G variant is predicted to result in the amino acid substitution p.Leu643Val. To our knowledge, this variant has not been reported in the literature or in a large population database (gnomAD), indicating this variant is rare. At this time, the clinical significance of this variant is uncertain due to the absence of conclusive functional and genetic evidence.

NM_152618.3(BBS12):c.1927C>G (p.Leu643Val)

Gene: BBS12 (Bardet-Biedl syndrome 12; plus strand). Cytogenetic location: 4q27.
Variant type: single nucleotide variant.
Coding change: c.1927C>G on transcript NM_152618.3 (MANE Select); coding-DNA position 1927, C replaced by G.
Protein change: p.Leu643Val; replaces leucine 643 with valine.
Molecular consequence: missense variant.
Genome position (GRCh38, 1-based): chr4:122,743,819, C>G. VCF-style: chr4-122743819-C-G. GRCh37 (hg19) VCF-style: chr4-123664974-C-G.
Other names: c.1927C>G, p.Leu643Val (NM_001178007.2); short protein forms L643V.
Identifiers: ClinVar variation 4994418 (VCV004994418.1).
Genomic context (GRCh38, chr4:122,743,819, plus strand): 5'-CTGCAAAATGCCACAGACTCTGGCTCTCCTTCATCTTACATCTTGAATGAATATAGTAAA[C>G]TAAATAGTAGAATTTTTAATTCAGACATTTCAAATAAACTGGAGCAGATTCCGAGAGTTT-3'
Protein context (NP_689831.2, residues 633-653): SSYILNEYSK[Leu643Val]NSRIFNSDIS